The following is an entry in ClinVar:

ClinVar aggregate classification (germline): Uncertain significance (1 of 4 stars; one submission).

Allele frequency attached by ClinVar (database versions not stated): ExAC 0.00001.
gnomAD v4.1: 8 of 1,613,552 alleles (0.0005%); highest among the groups gnomAD compares: Non-Finnish European, 0.00068%; no homozygotes.

Submission:

Labcorp Genetics (formerly Invitae), Labcorp
Classification: Uncertain significance. Last evaluated: 2022-07-25. Review status: criteria provided, single submitter. Criteria: Invitae Variant Classification Sherloc (09022015). Collection method: clinical testing. Allele origin: germline.
Comment: This sequence change replaces asparagine, which is neutral and polar, with serine, which is neutral and polar, at codon 43 of the TUBGCP6 protein (p.Asn43Ser). This variant is present in population databases (rs371868625, gnomAD 0.0009%). This variant has not been reported in the literature in individuals affected with TUBGCP6-related conditions. Algorithms developed to predict the effect of missense changes on protein structure and function (SIFT, PolyPhen-2, Align-GVGD) all suggest that this variant is likely to be tolerated. In summary, the available evidence is currently insufficient to determine the role of this variant in disease. Therefore, it has been classified as a Variant of Uncertain Significance.

NM_020461.4(TUBGCP6):c.128A>G (p.Asn43Ser)

Gene: TUBGCP6 (tubulin gamma complex component 6; minus strand). Cytogenetic location: 22q13.33.
Variant type: single nucleotide variant.
Coding change: c.128A>G on transcript NM_020461.4 (MANE Select); coding-DNA position 128, A replaced by G.
Protein change: p.Asn43Ser; replaces asparagine 43 with serine.
Molecular consequence: missense variant.
Genome position (GRCh38, 1-based): chr22:50,244,332, T>C on the plus strand (A>G on the coding strand, the complement: TUBGCP6 is on the minus strand). VCF-style: chr22-50244332-T-C. GRCh37 (hg19) VCF-style: chr22-50682761-T-C.
Other names: short protein forms N43S.
Identifiers: ClinVar variation 2111147 (VCV002111147.1), dbSNP rs371868625, ClinGen allele CA10309113.